The following is an entry in ClinVar:

ClinVar aggregate classification (germline): Likely pathogenic (1 of 4 stars; one submission).

Conditions:
Polycystic kidney disease 2 (PKD2). Also called: Polycystic Kidney Disease 2, Autosomal Dominant; POLYCYSTIC KIDNEY DISEASE 2 WITH OR WITHOUT POLYCYSTIC LIVER DISEASE; POLYCYSTIC KIDNEY DISEASE, ADULT, TYPE II. Identifiers: MedGen C2751306, MONDO:0013131, OMIM 613095.

Submission:

Juno Genomics, Hangzhou Juno Genomics, Inc
Classification: Likely pathogenic for Polycystic kidney disease 2. Review status: criteria provided, single submitter. Criteria: ACMG Guidelines, 2015. Collection method: clinical testing. Allele origin: germline.
Comment: Absent from controls (or at extremely low frequency if recessive) in Genome Aggregation Database.;Null variant in a gene where loss of function (LOF) is a known mechanism of disease.

NM_000297.4(PKD2):c.243del (p.Cys82fs)

Genes: PKD2 (polycystin 2, transient receptor potential cation channel; plus strand), LOC129992813 (ATAC-STARR-seq lymphoblastoid silent region 15559; plus strand). Cytogenetic location: 4q22.1.
Variant type: Deletion.
Coding change: c.243del on transcript NM_000297.4 (MANE Select); coding-DNA position 243, one base deleted (G; older notation c.243delG).
Protein change: p.Cys82fs; shifts the reading frame from cysteine 82.
Molecular consequence: frameshift variant. On other transcripts: non-coding transcript variant (1).
Genome position (GRCh38, 1-based): chr4:88,007,976, G deleted. VCF-style (leftmost placement, unchanged base first): chr4-88007975-CG-C. GRCh37 (hg19) VCF-style: chr4-88929127-CG-C.
Other names: c.243del, p.Cys82fs (NM_001440544.1); short protein forms C82fs.
Identifiers: ClinVar variation 5019029 (VCV005019029.2).